The following is an entry in ClinVar:

NM_004329.3(BMPR1A):c.1500G>T (p.Met500Ile)

Gene: BMPR1A (bone morphogenetic protein receptor type 1A; plus strand). Cytogenetic location: 10q23.2.
Variant type: single nucleotide variant.
Coding change: c.1500G>T on transcript NM_004329.3 (MANE Select); coding-DNA position 1500, G replaced by T.
Protein change: p.Met500Ile; replaces methionine 500 with isoleucine.
Molecular consequence: missense variant. On other transcripts: non-coding transcript variant (3).
Genome position (GRCh38, 1-based): chr10:86,923,620, G>T. VCF-style: chr10-86923620-G-T. GRCh37 (hg19) VCF-style: chr10-88683377-G-T.
Other names: c.1575G>T, p.Met525Ile (NM_001406559.1); c.1548G>T, p.Met516Ile (NM_001406560.1); c.1500G>T, p.Met500Ile (NM_001406561.1, NM_001406562.1, NM_001406563.1 and 19 more transcripts); c.1416G>T, p.Met472Ile (NM_001406584.1, NM_001406585.1, NM_001406586.1 and 2 more transcripts); c.1158G>T, p.Met386Ile (NM_001406589.1); c.1494G>T, p.Met498Ile (NM_001406583.1); short protein forms M386I, M472I, M498I, M500I, M516I, M525I.
Identifiers: ClinVar variation 3386067 (VCV003386067.3).

ClinVar aggregate classification (germline): Uncertain significance. Review status: criteria provided, multiple submitters, no conflicts (2 of 4 stars). 3 submissions from 3 submitters: Uncertain significance (3). Last evaluated 2025-03-06.

Conditions:
Hereditary cancer-predisposing syndrome. Also called: Hereditary Cancer Syndrome; Hereditary neoplastic syndrome; Neoplastic Syndromes, Hereditary; Tumor predisposition. Identifiers: Orphanet 140162, MedGen C0027672, MeSH D009386, MONDO:0015356.
Juvenile polyposis syndrome (JPS). Identifiers: Orphanet 2929, MedGen C0345893, MONDO:0017380, OMIM 174900.

Submissions (3):

Ambry Genetics
Classification: Uncertain significance for Hereditary cancer-predisposing syndrome. Last evaluated: 2025-03-06. Review status: criteria provided, single submitter. Criteria: Ambry Variant Classification Scheme 2023. Collection method: clinical testing. Allele origin: germline.
Comment: The p.M500I variant (also known as c.1500G>T), located in coding exon 11 of the BMPR1A gene, results from a G to T substitution at nucleotide position 1500. The methionine at codon 500 is replaced by isoleucine, an amino acid with highly similar properties. This amino acid position is highly conserved in available vertebrate species. In addition, this alteration is predicted to be deleterious by in silico analysis. Based on the available evidence, the clinical significance of this variant remains unclear.

All of Us Research Program, National Institutes of Health
Classification: Uncertain significance for Juvenile polyposis syndrome. Last evaluated: 2024-04-16. Review status: criteria provided, single submitter. Criteria: ACMG Guidelines, 2015. Collection method: clinical testing. Allele origin: germline. Inheritance: Autosomal dominant inheritance. Observed: 1 variant allele, 1 heterozygote.
Comment: This missense variant replaces methionine with isoleucine at codon 500 of the BMPR1A protein. Computational prediction is inconclusive regarding the impact of this variant on protein structure and function (internally defined REVEL score threshold 0.5 < inconclusive < 0.7, PMID: 27666373). To our knowledge, functional studies have not been reported for this variant. This variant has not been reported in individuals affected with BMPR1A-related disorders in the literature. This variant has not been identified in the general population by the Genome Aggregation Database (gnomAD). The available evidence is insufficient to determine the role of this variant in disease conclusively. Therefore, this variant is classified as a Variant of Uncertain Significance.

This study involves interpretation of variants in research participants for the purpose of population health screening. Participant phenotype was not available at the time of variant classification. Additional details can be found in publication PMID: 35346344, PMCID: PMC8962531

Color Diagnostics, LLC DBA Color Health
Classification: Uncertain significance for Hereditary cancer-predisposing syndrome. Last evaluated: 2024-03-28. Review status: criteria provided, single submitter. Criteria: ACMG Guidelines, 2015. Collection method: clinical testing. Allele origin: germline.
Comment: This missense variant replaces methionine with isoleucine at codon 500 of the BMPR1A protein. Computational prediction is inconclusive regarding the impact of this variant on protein structure and function. To our knowledge, functional studies have not been reported for this variant. This variant has not been reported in individuals affected with BMPR1A-related disorders in the literature. This variant has not been identified in the general population by the Genome Aggregation Database (gnomAD). The available evidence is insufficient to determine the role of this variant in disease conclusively. Therefore, this variant is classified as a Variant of Uncertain Significance.